The following is an entry in ClinVar:

NM_000350.3(ABCA4):c.1253T>C (p.Phe418Ser)

Gene: ABCA4 (ATP binding cassette subfamily A member 4; minus strand). Cytogenetic location: 1p22.1.
Variant type: single nucleotide variant.
Coding change: c.1253T>C on transcript NM_000350.3 (MANE Select); coding-DNA position 1253, T replaced by C.
Protein change: p.Phe418Ser; replaces phenylalanine 418 with serine.
Molecular consequence: missense variant.
Genome position (GRCh38, 1-based): chr1:94,078,693, A>G on the plus strand (T>C on the coding strand, the complement: ABCA4 is on the minus strand). VCF-style: chr1-94078693-A-G. GRCh37 (hg19) VCF-style: chr1-94544249-A-G.
Other names: c.1253T>C, p.Phe418Ser (NM_001425324.1); short protein forms F418S.
Identifiers: ClinVar variation 193580 (VCV000193580.24), dbSNP rs794726979, ClinGen allele CA239111.

ClinVar aggregate classification (germline): Pathogenic/Likely pathogenic. Review status: criteria provided, multiple submitters, no conflicts (2 of 4 stars). 10 submissions from 10 submitters: Pathogenic (8); Likely pathogenic (2). Last evaluated 2026-03-13.

Conditions:
ABCA4-related disorder. Also called: ABCA4-related condition; ABCA4-related disorders. Identifiers: MedGen CN239167.
Retinal dystrophy. Also called: Inherited retinal dystrophy. Identifiers: Orphanet 71862, MedGen C0854723, MeSH D058499, MONDO:0019118, HP:0000556.
Retinitis pigmentosa (RP). Identifiers: Orphanet 791, MedGen C0035334, MeSH D012174, MONDO:0019200, OMIM 268000. Inheritance: Autosomal dominant, autosomal recessive and X linked inheritance.
Retinitis pigmentosa 19 (RP19). Also called: ABCA4-Related Retinitis Pigmentosa. Identifiers: Orphanet 791, MedGen C1866422, MONDO:0011137, OMIM 601718.
Retinal disorder. Also called: Retinal disorders; Retinopathy; Retinopathies; Retinal Diseases. Identifiers: MedGen C0035309, MONDO:0005283, HP:0000488.

Allele frequency attached by ClinVar (database versions not stated): gnomAD 0.00001; gnomAD exomes 0.00001; TOPMed 0.00001.
gnomAD v4.1: 83 of 1,613,422 alleles (0.0051%); highest among the groups gnomAD compares: Non-Finnish European, 0.007%; no homozygotes.

Submissions (10):

PreventionGenetics, part of Exact Sciences
Classification: Pathogenic for ABCA4-related condition. Last evaluated: 2026-03-13. Review status: criteria provided, single submitter. Criteria: ACMG Guidelines, 2015. Collection method: clinical testing. Allele origin: germline.
Comment: The ABCA4 c.1253T>C variant is predicted to result in the amino acid substitution p.Phe418Ser. This variant has been reported along with a second ABCA4 variant in multiple individuals with ABCA4-related retinal disease (see for examples: Table S1, Zernant et al. 2011. PubMed ID: 21911583; Table S1, Stone et al. 2017. PubMed ID: 28559085; Table S1, Lin et al. 2024. PubMed ID: 38219857). This variant is reported in 0.0026% of alleles in individuals of European (Non-Finnish) descent in gnomAD; and a study of the frequency of this variant in affected individuals versus the general population has classified this variant as severe (Table S2A, Cornelis et al. 2022. PubMed ID: 35120629). This variant is interpreted as pathogenic.

Labcorp Genetics (formerly Invitae), Labcorp
Classification: Pathogenic. Last evaluated: 2026-01-27. Review status: criteria provided, single submitter. Criteria: Invitae Variant Classification Sherloc (09022015). Collection method: clinical testing. Allele origin: germline.
Comment: This sequence change replaces phenylalanine, which is neutral and non-polar, with serine, which is neutral and polar, at codon 418 of the ABCA4 protein (p.Phe418Ser). This variant is present in population databases (rs794726979, gnomAD 0.002%). This missense change has been observed in individual(s) with ABCA4-related conditions (PMID: 21911583, 28341476, 28559085, 29555955, 30834176). In at least one individual the data is consistent with being in trans (on the opposite chromosome) from a pathogenic variant. ClinVar contains an entry for this variant (Variation ID: 193580). Invitae Evidence Modeling of protein sequence and biophysical properties (such as structural, functional, and spatial information, amino acid conservation, physicochemical variation, residue mobility, and thermodynamic stability) indicates that this missense variant is expected to disrupt ABCA4 protein function with a positive predictive value of 95%. For these reasons, this variant has been classified as Pathogenic.

Genetics Laboratory, Great Ormond Street Hospital NHS Foundation Trust, North Thames Genomic Laboratory Hub
Classification: Pathogenic for Retinal disorders. Last evaluated: 2025-10-15. Review status: criteria provided, single submitter. Criteria: ACGS Best Practice Guidelines for Variant Classification in Rare Disease 2024 v1.2. Collection method: clinical testing. Allele origin: germline. Affected: yes.
Comment: PM2_moderate, PP3_supporting, PM3_very-strong

Women's Health and Genetics/Laboratory Corporation of America, LabCorp
Classification: Pathogenic for Retinitis pigmentosa. Last evaluated: 2025-01-14. Review status: criteria provided, single submitter. Criteria: LabCorp Variant Classification Summary - May 2015. Collection method: clinical testing. Allele origin: germline.
Comment: Variant summary: ABCA4 c.1253T>C (p.Phe418Ser) results in a non-conservative amino acid change in the encoded protein sequence. Five of five in-silico tools predict a damaging effect of the variant on protein function. The variant allele was found at a frequency of 1.2e-05 in 251470 control chromosomes (gnomAD). c.1253T>C has been reported in the literature in multiple individuals affected with ABCA4-related conditions (examples : Zernant_2011, Stone_2017). These data indicate that the variant is very likely to be associated with disease. The following publications have been ascertained in the context of this evaluation (PMID: 21911583, 28559085, 29555955, 37734845, 38219857, 28771251). ClinVar contains an entry for this variant (Variation ID: 193580). Based on the evidence outlined above, the variant was classified as pathogenic.

3billion
Classification: Likely pathogenic for Retinitis pigmentosa 19. Last evaluated: 2024-12-06. Review status: criteria provided, single submitter. Criteria: ACMG Guidelines, 2015. Collection method: clinical testing. Allele origin: germline. Affected: yes.
Comment: The variant is observed at an extremely low frequency in the gnomAD v4.1.0 dataset (total allele frequency: 0.005%). Predicted Consequence/Location: Missense variant In silico tool predictions suggest damaging effect of the variant on gene or gene product [REVEL: 0.93 (>=0.6, sensitivity 0.68 and specificity 0.92); 3Cnet: 0.16 (>=0.6, sensitivity 0.72 and precision 0.9)]. The same nucleotide change resulting in the same amino acid change has been previously reported as pathogenic/likely pathogenic with strong evidence (ClinVar ID: VCV000193580 /PMID: 21911583). A different missense change at the same codon (p.Phe418Leu) has been reported to be associated with ABCA4-related disorder (PMID: 30060493). Therefore, this variant is classified as Likely pathogenic according to the recommendation of ACMG/AMP guideline.

Blueprint Genetics
Classification: Pathogenic for ABCA4-related disorders. Last evaluated: 2024-02-16. Review status: criteria provided, single submitter. Criteria: ACMG Guidelines, 2015. Collection method: clinical testing. Allele origin: germline. Affected: yes. Observed: 5 variant alleles.

GeneDx
Classification: Pathogenic. Last evaluated: 2021-01-18. Review status: criteria provided, single submitter. Criteria: GeneDx Variant Classification Process June 2021. Collection method: clinical testing. Allele origin: germline. Affected: yes.
Comment: In silico analysis, which includes protein predictors and evolutionary conservation, supports a deleterious effect; Not observed at a significant frequency in large population cohorts (Lek et al., 2016); Reported as pathogenic in ClinVar but additional evidence is not available (ClinVar Variation ID 193580; Landrum et al., 2016); This variant is associated with the following publications: (PMID: 28559085, 26720470, 21911583, 23499370, 30055151, 23143460, 28771251, 29555955, 28341476, 30834176)

Institute of Human Genetics, Univ. Regensburg, Univ. Regensburg
Classification: Likely pathogenic for Retinal dystrophy. Last evaluated: 2021-01-01. Review status: criteria provided, single submitter. Criteria: ACMG Guidelines, 2015. Collection method: clinical testing. Allele origin: germline. Affected: yes.

Institute of Medical Genetics and Applied Genomics, University Hospital Tübingen
Classification: Pathogenic. Last evaluated: 2020-10-23. Review status: criteria provided, single submitter. Criteria: ACMG Guidelines, 2015. Collection method: clinical testing. Allele origin: germline. Inheritance: Autosomal recessive inheritance. Affected: yes.

Eurofins Ntd Llc (ga)
Classification: Pathogenic. Last evaluated: 2016-08-29. Review status: criteria provided, single submitter. Criteria: EGL Classification Definitions. Collection method: clinical testing. Allele origin: germline. Observed: 2 variant alleles, 2 heterozygotes.

Literature cited by the submitters: PubMed 21911583 (cited by 4 submitters); PubMed 28341476 (cited by Labcorp Genetics (formerly Invitae), Labcorp and Institute of Human Genetics, Univ. Regensburg, Univ. Regensburg); PubMed 28559085 (cited by 3 submitters); PubMed 29555955 (cited by 3 submitters); PubMed 30834176 (cited by Labcorp Genetics (formerly Invitae), Labcorp); PubMed 37734845 (cited by Women's Health and Genetics/Laboratory Corporation of America, LabCorp); PubMed 38219857 (cited by Women's Health and Genetics/Laboratory Corporation of America, LabCorp); PubMed 28771251 (cited by Women's Health and Genetics/Laboratory Corporation of America, LabCorp and Institute of Human Genetics, Univ. Regensburg, Univ. Regensburg); PubMed 30060493 (cited by 3billion); PubMed 26720470 (cited by Institute of Human Genetics, Univ. Regensburg, Univ. Regensburg); PubMed 31964843 (cited by Institute of Human Genetics, Univ. Regensburg, Univ. Regensburg); PubMed 32307445 (cited by Institute of Human Genetics, Univ. Regensburg, Univ. Regensburg).